The following is an entry in ClinVar:

NM_001197104.2(KMT2A):c.3160C>T (p.Gln1054Ter)

Gene: KMT2A (lysine methyltransferase 2A; plus strand). Cytogenetic location: 11q23.3.
Variant type: single nucleotide variant.
Coding change: c.3160C>T on transcript NM_001197104.2 (MANE Select); coding-DNA position 3160, C replaced by T.
Protein change: p.Gln1054Ter; replaces glutamine 1054 with a stop codon.
Molecular consequence: nonsense.
Genome position (GRCh38, 1-based): chr11:118,476,808, C>T. VCF-style: chr11-118476808-C-T. GRCh37 (hg19) VCF-style: chr11-118347523-C-T.
Other names: c.3259C>T, p.Gln1087Ter (NM_001412597.1); c.3160C>T, p.Gln1054Ter (NM_005933.4); short protein forms Q1054*, Q1087*.
Identifiers: ClinVar variation 2738154 (VCV002738154.3), dbSNP rs2496833065, ClinGen allele CA382823523.

ClinVar aggregate classification (germline): Pathogenic (1 of 4 stars; one submission).

Submission:

Labcorp Genetics (formerly Invitae), Labcorp
Classification: Pathogenic. Last evaluated: 2023-05-27. Review status: criteria provided, single submitter. Criteria: Invitae Variant Classification Sherloc (09022015). Collection method: clinical testing. Allele origin: germline.
Comment: For these reasons, this variant has been classified as Pathogenic. This variant has not been reported in the literature in individuals affected with KMT2A-related conditions. This variant is not present in population databases (gnomAD no frequency). This sequence change creates a premature translational stop signal (p.Gln1054*) in the KMT2A gene. It is expected to result in an absent or disrupted protein product. Loss-of-function variants in KMT2A are known to be pathogenic (PMID: 22795537, 25574841, 25810209, 28120103, 29574747, 31157197, 31337854).

Literature cited by the submitters: PubMed 22795537; PubMed 25574841; PubMed 25810209; PubMed 28120103; PubMed 29574747; PubMed 31157197; PubMed 31337854.